The following is an entry in ClinVar:

ClinVar aggregate classification (germline): Likely benign. Review status: criteria provided, single submitter (1 of 4 stars). 2 submissions from 2 submitters: Likely benign (1). 1 of the submissions does not count toward it. Last evaluated 2026-01-05.

Conditions:
CARD8-related disorder. Also called: CARD8-related condition.

Allele frequency attached by ClinVar (database versions not stated): gnomAD exomes 0.00019 and 0.00007; ExAC 0.00029; 1000 Genomes Project 30x 0.00047; 1000 Genomes Project 0.00060; gnomAD 0.00084 and 0.00090; TOPMed 0.00088; ESP Exome Variant Server 0.00131.
gnomAD v4.1: 234 of 1,614,026 alleles (0.014%); highest among the groups gnomAD compares: African/African-American, 0.28%; no homozygotes.

Submissions (2):

Labcorp Genetics (formerly Invitae), Labcorp
Classification: Likely benign. Last evaluated: 2026-01-05. Review status: criteria provided, single submitter. Criteria: Invitae Variant Classification Sherloc (09022015). Collection method: clinical testing. Allele origin: germline.

PreventionGenetics, part of Exact Sciences
Classification: Likely benign for CARD8-related condition. Last evaluated: 2022-03-28. Review status: no assertion criteria provided. Collection method: clinical testing. Allele origin: germline. Not counted in ClinVar's aggregate classification.
Comment: This variant is classified as likely benign based on ACMG/AMP sequence variant interpretation guidelines (Richards et al. 2015 PMID: 25741868, with internal and published modifications).

NM_001184900.3(CARD8):c.1164G>C (p.Glu388Asp)

Gene: CARD8 (caspase recruitment domain family member 8; minus strand). Cytogenetic location: 19q13.33.
Variant type: single nucleotide variant.
Coding change: c.1164G>C on transcript NM_001184900.3 (MANE Select); coding-DNA position 1164, G replaced by C.
Protein change: p.Glu388Asp; replaces glutamic acid 388 with aspartic acid.
Molecular consequence: missense variant. On other transcripts: non-coding transcript variant (2), intron variant (7).
Genome position (GRCh38, 1-based): chr19:48,219,010, C>G on the plus strand (G>C on the coding strand, the complement: CARD8 is on the minus strand). VCF-style: chr19-48219010-C-G. GRCh37 (hg19) VCF-style: chr19-48722267-C-G.
Other names: c.1164G>C (NM_001184900.1); c.1014G>C, p.Glu338Asp (NM_001184901.1, NM_001351783.2, NM_014959.5); c.1164G>C, p.Glu388Asp (NM_001351782.2); c.849G>C, p.Glu283Asp (NM_001351784.2, NM_001351787.2); c.828G>C, p.Glu276Asp (NM_001351786.2); c.846G>C, p.Glu282Asp (NM_001365950.1); c.846+2720G>C (NM_001351791.2, NM_001351792.2); c.1011+2720G>C (NM_001351788.2, NM_001351789.2); and 2 more; short protein forms E276D, E282D, E283D, E338D, E388D.
Identifiers: ClinVar variation 1633217 (VCV001633217.10), dbSNP rs140107706, ClinGen allele CA9547770.
Genomic context (GRCh38, chr19:48,219,010, plus strand): 5'-CCCAGCATAGAATTTTGAGAAGTGCTGAATTTCTCCAGGGCTCCTGTAGGACAATTTCAA[C>G]TCCTAGAGGAAACACATCAGTTGACTTGAAGCAGTGGAGGGTGGAAAGGCCCGGCTCCCT-3'
Protein context (NP_001171829.1, residues 378-398): NSANLKVMPK[Glu388Asp]LKLSYRSPGE